The following is an entry in ClinVar:

NM_000141.5(FGFR2):c.988C>T (p.Arg330Trp)

Gene: FGFR2 (fibroblast growth factor receptor 2; minus strand). Cytogenetic location: 10q26.13.
Variant type: single nucleotide variant.
Coding change: c.988C>T on transcript NM_000141.5 (MANE Select); coding-DNA position 988, C replaced by T.
Protein change: p.Arg330Trp; replaces arginine 330 with tryptophan.
Molecular consequence: missense variant. On other transcripts: non-coding transcript variant (1), intron variant (5).
Genome position (GRCh38, 1-based): chr10:121,517,415, G>A on the plus strand (C>T on the coding strand, the complement: FGFR2 is on the minus strand). VCF-style: chr10-121517415-G-A. GRCh37 (hg19) VCF-style: chr10-123276929-G-A.
Other names: c.721C>T, p.Arg241Trp (NM_001144915.2, NM_023029.3); c.643C>T, p.Arg215Trp (NM_001144916.2, NM_001144918.2); c.304C>T, p.Arg102Trp (NM_001320654.2); c.988C>T, p.Arg330Trp (NM_001320658.2); c.749-2096C>T (NM_001144914.1); c.939+2564C>T (NM_001144917.2); c.1087+1267C>T (NM_022970.4, NM_001144913.1); c.820+1267C>T (NM_001144919.2); short protein forms R102W, R215W, R241W, R330W.
Identifiers: ClinVar variation 3376743 (VCV003376743.3).
Genomic context (GRCh38, chr10:121,517,415, plus strand): 5'-TCCCAATAGAATTACCCGCCAAGCACGTATATTCCCCAGCGTCCTCAAAAGTTACATTCC[G>A]AATATAGAGAACCTCAATCTCTTTGTCCGTGGTGTTAACACCGGCGGCCTAGAAAACAAG-3'
Protein context (NP_000132.3, residues 320-340): TDKEIEVLYI[Arg330Trp]NVTFEDAGEY

ClinVar aggregate classification (germline): Uncertain significance. Review status: criteria provided, multiple submitters, no conflicts (2 of 4 stars). 3 submissions from 3 submitters: Uncertain significance (3). Last evaluated 2025-10-17.

Conditions:
Bent bone dysplasia syndrome 1 (BBDS1). Also called: FGFR2-related bent bone dysplasia. Identifiers: Orphanet 313855, MedGen C3281247, MONDO:0013815, OMIM 614592.
Familial scaphocephaly syndrome, McGillivray type. Also called: SCAPHOCEPHALY, MAXILLARY RETRUSION, AND IMPAIRED INTELLECTUAL DEVELOPMENT. Identifiers: Orphanet 168624, MedGen C1865070, MONDO:0012307, OMIM 609579.
Crouzon syndrome. Also called: CRANIOFACIAL DYSOSTOSIS, TYPE I; Craniofacial dysostosis type 1; Crouzon craniofacial dysostosis; Crouzon disease; Craniofacial dysostosis. Identifiers: Orphanet 207, MedGen C0010273, MeSH D003394, MONDO:0007405, OMIM 123500, HP:0004439.
Beare-Stevenson cutis gyrata syndrome (BSTVS). Identifiers: Orphanet 1555, MedGen C1852406, MONDO:0007412, OMIM 123790.
Acrocephalosyndactyly type I (ACS1). Also called: Acrocephalo-syndactyly type 1; ACS 1; Syndactylic oxycephaly; Apert syndrome. Identifiers: Orphanet 87, MedGen C0001193, MONDO:0007041, OMIM 101200.
Gastric cancer. Also called: Stomach cancer; Malignant tumor of stomach. Identifiers: MedGen C0024623, MeSH D013274, MONDO:0001056, OMIM 613659, HP:0012126.
Jackson-Weiss syndrome (JWS). Also called: CRANIOSYNOSTOSIS, MIDFACIAL HYPOPLASIA, AND FOOT ABNORMALITIES. Identifiers: Orphanet 1540, MedGen C0795998, MONDO:0007400, OMIM 123150. Disease mechanism: loss of function.
LADD syndrome 1 (LADD1). Also called: Lacrimoauriculodentodigital syndrome 1. Identifiers: MedGen C5774323, MONDO:0100302, OMIM 149730.
Saethre-Chotzen syndrome (SCS). Also called: ACROCEPHALY, SKULL ASYMMETRY, AND MILD SYNDACTYLY; ACS III; CHOTZEN SYNDROME. Identifiers: Orphanet 794, MedGen C0175699, MONDO:0007042, OMIM 101400.
Pfeiffer syndrome (ACS5). Also called: ACS V. Identifiers: Orphanet 710, MedGen C0220658, MONDO:0007043, OMIM 101600.
Antley-Bixler syndrome without genital anomalies or disordered steroidogenesis (ABS2). Also called: MULTISYNOSTOTIC OSTEODYSGENESIS WITH LONG BONE FRACTURES; Antley-Bixler Syndrome, Autosomal Dominant; Trapezoidocephaly synostosis syndrome; Osteodysgenesis, multisynostotic with fractures. Identifiers: Orphanet 596008, Orphanet 83, MedGen C2936791, MONDO:0020667, OMIM 207410.
Craniosynostosis syndrome. Also called: Craniosynostosis. Identifiers: Orphanet 1531, MedGen C0010278, MeSH D003398, MONDO:0015469, HP:0001363.

gnomAD v4.1: 12 of 1,614,136 alleles (0.00074%); highest among the groups gnomAD compares: Non-Finnish European, 0.001%; no homozygotes.

Submissions (3):

OLLIN Analises Genomicas, OLLIN
Classification: Uncertain significance for Crouzon syndrome. Last evaluated: 2025-10-17. Review status: criteria provided, single submitter. Criteria: ACMG Guidelines 2015 PMID 25741868. Collection method: clinical testing. Allele origin: germline. Observed: 1 variant allele.
Comment: PP2

Fulgent Genetics
Classification: Uncertain significance for Acrocephalosyndactyly type I; Saethre-Chotzen syndrome; Pfeiffer syndrome; Jackson-Weiss syndrome; Crouzon syndrome; Beare-Stevenson cutis gyrata syndrome; LADD syndrome 1; Antley-Bixler syndrome without genital anomalies or disordered steroidogenesis; Familial scaphocephaly syndrome, McGillivray type; Gastric cancer; Bent bone dysplasia syndrome 1. Last evaluated: 2024-05-04. Review status: criteria provided, single submitter. Criteria: ACMG Guidelines, 2015. Collection method: clinical testing. Allele origin: germline.

Victorian Clinical Genetics Services, Murdoch Childrens Research Institute
Classification: Uncertain significance for Craniosynostosis syndrome. Last evaluated: 2023-07-17. Review status: criteria provided, single submitter. Criteria: ACMG Guidelines, 2015. Collection method: clinical testing. Allele origin: germline. Inheritance: Autosomal dominant inheritance. Affected: yes.
Comment: Based on the classification scheme VCGS_Germline_v1.3.4, this variant is classified as VUS-3C. Following criteria are met: 0103 - Loss of function (LoF) and gain of function (GoF) are known mechanisms of disease in this gene. Variants which are involved in LADD syndrome (MIM#149730) and bent bone dysplasia syndrome (MIM#614592), generally occur in the tyrosine kinase domain and hydrophobic transmembrane domain, respectively, and exert a LoF effect. Variants involved in craniosynostosis (MIM#207410, 101200, 123790, 101600, 123500, 123150) are located within the extracellular ligand binding domain and exert a GoF effect (PMID: 27240702). (I) 0107 - This gene is associated with autosomal dominant disease. (I) 0115 - Variants in this gene are known to have variable expressivity in Crouzon syndrome (MIM#123500; GeneReviews). (I) 0200 - Variant is predicted to result in a missense amino acid change from arginine to tryptophan. (I) 0251 - This variant is heterozygous. (I) 0302 - Variant is present in gnomAD (v2) <0.001 for a dominant condition (1 heterozygote, 0 homozygotes). (SP) 0309 - An alternative amino acid change at the same position has been observed in gnomAD (v2 & 3: 21 heterozygotes, 0 homozygotes). (I) 0501 - Missense variant consistently predicted to be damaging by multiple in silico tools or highly conserved with a major amino acid change. (SP) 0602 - Variant is located in a hotspot region or cluster of pathogenic variants (DECIPHER). (SP) 0705 - No comparable missense variants have previous evidence for pathogenicity. An alternative variant resulting in a change to glutamine at the same amino acid position, (p.Arg241Gln), has been reported as a VUS and likely benign/benign in ClinVar; however, it is not comparable to this variant as it is a minor amino acid change. (I) 0807 - This variant has no previous evidence of pathogenicity. (I) 0905 - No published segregation evidence has been identified for this variant. (I) 1007 - No published functional evidence has been identified for this variant. (I) Legend: (SP) - Supporting pathogenic, (I) - Information, (SB) - Supporting benign

Literature cited by the submitters: PubMed 27240702 (cited by Victorian Clinical Genetics Services, Murdoch Childrens Research Institute).